The following is an entry in ClinVar:

ClinVar aggregate classification (germline): Pathogenic. Review status: criteria provided, single submitter (1 of 4 stars). 2 submissions from 2 submitters: Pathogenic (1). 1 of the submissions does not count toward it.

Conditions:
Tuberous sclerosis 2 (TSC2). Identifiers: Orphanet 805, MedGen C1860707, MONDO:0013199, OMIM 613254.
Lymphangiomyomatosis (LAM). Also called: Lymphangioleiomyomatosis, somatic; Lymphangioleiomyomatosis. Identifiers: Orphanet 538, MedGen C0751674, MONDO:0011705, OMIM 606690.
Isolated focal cortical dysplasia type II (FCORD2). Also called: CORTICAL DYSPLASIA OF TAYLOR; Focal cortical dysplasia type II. Identifiers: Orphanet 268994, MedGen C1846385, MONDO:0011818, OMIM 607341, HP:0032051.
Tuberous sclerosis syndrome (TSC). Also called: Tuberous Sclerosis Complex; Tuberous sclerosis. Identifiers: Orphanet 805, MedGen C0041341, MONDO:0001734.

Submissions (2):

Juno Genomics, Hangzhou Juno Genomics, Inc
Classification: Pathogenic for Isolated focal cortical dysplasia type II; Lymphangiomyomatosis; Tuberous sclerosis 2. Review status: criteria provided, single submitter. Criteria: ACMG Guidelines, 2015. Collection method: clinical testing. Allele origin: germline. Affected: yes.
Comment: Absent from controls (or at extremely low frequency if recessive) in Genome Aggregation Database.;Null variant in a gene where loss of function (LOF) is a known mechanism of disease.;The prevalence of the variant in affected individuals is significantly increased compared to the prevalence in controls.

Tuberous sclerosis database (TSC2)
No classification provided. Condition: TSC. Review status: no classification provided. Criteria: Tuberous Sclerosis Database Assertion Criteria 2015. Collection method: curation. Allele origin: germline. Affected: yes. Not counted in ClinVar's aggregate classification.

NM_000548.5(TSC2):c.1472C>A (p.Ser491Ter)

Gene: TSC2 (TSC complex subunit 2; plus strand). Cytogenetic location: 16p13.3.
Variant type: single nucleotide variant.
Coding change: c.1472C>A on transcript NM_000548.5 (MANE Select); coding-DNA position 1472, C replaced by A.
Protein change: p.Ser491Ter; replaces serine 491 with a stop codon.
Molecular consequence: nonsense.
Genome position (GRCh38, 1-based): chr16:2,064,300, C>A. VCF-style: chr16-2064300-C-A. GRCh37 (hg19) VCF-style: chr16-2114301-C-A.
Other names: c.1472C>A, p.Ser491Ter (NM_001077183.3, NM_001114382.3, NM_001363528.2 and 3 more transcripts); c.1361C>A, p.Ser454Ter (NM_001318827.2); c.1325C>A, p.Ser442Ter (NM_001318829.2); c.872C>A, p.Ser291Ter (NM_001318831.2); c.1505C>A, p.Ser502Ter (NM_001318832.2); short protein forms S491*, S454*, S291*, S502*, S442*.
Identifiers: ClinVar variation 49160 (VCV000049160.3), dbSNP rs45517176, ClinGen allele CA014929.